The following is an entry in ClinVar:

ClinVar aggregate classification (germline): Uncertain significance (1 of 4 stars; one submission).

Submission:

GeneDx
Classification: Uncertain significance. Last evaluated: 2023-01-13. Review status: criteria provided, single submitter. Criteria: GeneDx Variant Classification Process June 2021. Collection method: clinical testing. Allele origin: germline. Affected: yes.
Comment: Not observed at significant frequency in large population cohorts (gnomAD); In silico analysis supports that this missense variant has a deleterious effect on protein structure/function; Has not been previously published as pathogenic or benign to our knowledge

NM_001287491.2(TET3):c.2576T>C (p.Met859Thr)

Gene: TET3 (tet methylcytosine dioxygenase 3; plus strand). Cytogenetic location: 2p13.1.
Variant type: single nucleotide variant.
Coding change: c.2576T>C on transcript NM_001287491.2 (MANE Select); coding-DNA position 2576, T replaced by C.
Protein change: p.Met859Thr; replaces methionine 859 with threonine.
Molecular consequence: missense variant.
Genome position (GRCh38, 1-based): chr2:74,073,630, T>C. VCF-style: chr2-74073630-T-C. GRCh37 (hg19) VCF-style: chr2-74300757-T-C.
Other names: c.2297T>C, p.Met766Thr (NM_001366022.1); c.2171T>C, p.Met724Thr (NM_144993.1); short protein forms M724T, M766T, M859T.
Identifiers: ClinVar variation 2572862 (VCV002572862.1), dbSNP rs2467560067, ClinGen allele CA347308319.